The following is an entry in ClinVar:

NM_023036.6(DNAI2):c.1574C>T (p.Ala525Val)

Gene: DNAI2 (dynein axonemal intermediate chain 2; plus strand). Cytogenetic location: 17q25.1.
Variant type: single nucleotide variant.
Coding change: c.1574C>T on transcript NM_023036.6 (MANE Select); coding-DNA position 1574, C replaced by T.
Protein change: p.Ala525Val; replaces alanine 525 with valine.
Molecular consequence: missense variant.
Genome position (GRCh38, 1-based): chr17:74,312,082, C>T. VCF-style: chr17-74312082-C-T. GRCh37 (hg19) VCF-style: chr17-72308221-C-T.
Other names: c.1538C>T, p.Ala513Val (NM_001172810.3); c.1574C>T, p.Ala525Val (NM_001353167.2); short protein forms A525V, A513V.
Identifiers: ClinVar variation 241450 (VCV000241450.51), dbSNP rs145602856, ClinGen allele CA8745833.

ClinVar aggregate classification (germline): Conflicting classifications of pathogenicity. Review status: criteria provided, conflicting classifications (1 of 4 stars). 7 submissions from 7 submitters: Uncertain significance (2); Likely benign (4). 1 of the submissions does not count toward it. Last evaluated 2026-01-19.

Conditions:
Primary ciliary dyskinesia. Also called: Ciliary dyskinesia. Identifiers: Orphanet 244, MedGen C0008780, MONDO:0016575, HP:0012265.
Primary ciliary dyskinesia 9. Also called: CILIARY DYSKINESIA, PRIMARY, 9, WITH OR WITHOUT SITUS INVERSUS. Identifiers: Orphanet 244, MedGen C2676235, MONDO:0012906, OMIM 612444.

Allele frequency attached by ClinVar (database versions not stated): ESP Exome Variant Server 0.00015; gnomAD 0.00036 and 0.00047; gnomAD exomes 0.00039 and 0.00076; TOPMed 0.00073; ExAC 0.00082; 1000 Genomes Project 30x 0.00109; 1000 Genomes Project 0.00140.
gnomAD v4.1: 637 of 1,613,162 alleles (0.039%); highest among the groups gnomAD compares: East Asian, 0.96%; 3 homozygotes.

Submissions (7):

Labcorp Genetics (formerly Invitae), Labcorp
Classification: Likely benign for Primary ciliary dyskinesia. Last evaluated: 2026-01-19. Review status: criteria provided, single submitter. Criteria: Invitae Variant Classification Sherloc (09022015). Collection method: clinical testing. Allele origin: germline.

CeGaT Center for Human Genetics Tuebingen
Classification: Likely benign. Last evaluated: 2023-10-01. Review status: criteria provided, single submitter. Criteria: CeGaT Center For Human Genetics Tuebingen Variant Classification Criteria Version 2. Collection method: clinical testing. Allele origin: germline. Affected: yes. Observed: 1 variant allele.
Comment: DNAI2: BP4

Pars Genome Lab
Classification: Likely benign for Primary ciliary dyskinesia 9. Last evaluated: 2021-05-18. Review status: criteria provided, single submitter. Criteria: ACMG Guidelines, 2015. Collection method: clinical testing. Allele origin: germline. Affected: no.

Illumina Laboratory Services, Illumina
Classification: Uncertain significance for Primary ciliary dyskinesia 9. Last evaluated: 2018-01-12. Review status: criteria provided, single submitter. Criteria: ICSL Variant Classification Criteria 13 December 2019. Collection method: clinical testing. Allele origin: germline.

Laboratory for Molecular Medicine, Mass General Brigham Personalized Medicine
Classification: Likely benign. Last evaluated: 2016-06-07. Review status: criteria provided, single submitter. Criteria: LMM Criteria. Collection method: clinical testing. Allele origin: germline. Observed: 1 variant allele.
Comment: The p.Ala525Val in exon 12 of DNAI2: This variant is not expected to have clinic al significance because it has been identified in 0.9% (74/8618) of East Asian c hromosomes by the Exome Aggregation Consortium (ExAC .org; dbSNP rs145602856) and due to a lack of conservation in mammals. Of note, six mammals have a valine (V) at this position despite high nearby amino acid co nservation.

Ambry Genetics
Classification: Uncertain significance for Primary ciliary dyskinesia. Last evaluated: 2015-04-08. Review status: criteria provided, single submitter. Criteria: Ambry Variant Classification Scheme 2023. Collection method: clinical testing. Allele origin: germline.
Comment: The p.A525V variant (also known as c.1574C>T), located in coding exon 11 of the DNAI2 gene, results from a C to T substitution at nucleotide position 1574. The alanine at codon 525 is replaced by valine, an amino acid with similar properties. This variant was previously reported in the SNPDatabase as rs145602856. Based on data from the 1000 Genomes Project, the T allele has an overall frequency of approximately 0.14% (3/2098) total alleles studied. The highest observed frequency was 0.59% (1/170) CEPH alleles. Based on data from the NHLBI Exome Sequencing Project (ESP), the T allele has an overall frequency of approximately 0.02% (2/13006) total alleles studied, having been observed in 0.02% (1/4406) African American alleles and 0.01% (1/8600) European American alleles. This amino acid position is poorly conserved on species alignment. In addition, this alteration is predicted to be tolerated by in silico analysis. Since supporting evidence for this variant is limited at this time, the clinical significance of this variant remains unclear.

Natera, Inc.
Classification: Likely benign for Primary ciliary dyskinesia. Last evaluated: 2020-01-29. Review status: no assertion criteria provided. Collection method: clinical testing. Allele origin: germline. Not counted in ClinVar's aggregate classification.